The following is an entry in ClinVar:

ClinVar aggregate classification (germline): Likely benign. Review status: criteria provided, multiple submitters, no conflicts (2 of 4 stars). 3 submissions from 3 submitters: Likely benign (3). Last evaluated 2026-08-01.

Conditions:
Malignant hyperthermia, susceptibility to, 1 (MHS1). Also called: RYR1-Related Malignant Hyperthermia Susceptibility; Malignant hyperthermia suceptibility 1; Anesthesia related hyperthermia; Malignant hyperpyrexia; Fulminating hyperpyrexia; Pharmacogenic myopathy. Identifiers: Orphanet 423, MedGen C2930980, MONDO:0007783, OMIM 145600.
RYR1-related disorder. Also called: RYR1-related condition; RYR1-related disorders. Identifiers: MedGen CN239331.

Allele frequency attached by ClinVar (database versions not stated): gnomAD exomes below 0.00001; TOPMed 0.00001.
gnomAD v4.1: 5 of 1,551,126 alleles (0.00032%); highest among the groups gnomAD compares: East Asian, 0.0024%; no homozygotes.

Submissions (3):

CeGaT Center for Human Genetics Tuebingen
Classification: Likely benign. Last evaluated: 2026-08-01. Review status: criteria provided, single submitter. Criteria: CeGaT Center For Human Genetics Tuebingen Variant Classification Criteria Version 2. Collection method: clinical testing. Allele origin: germline. Affected: yes. Observed: 6 variant alleles.
Comment: RYR1: BP4, BP7

Labcorp Genetics (formerly Invitae), Labcorp
Classification: Likely benign for RYR1-related disorder. Last evaluated: 2023-09-29. Review status: criteria provided, single submitter. Criteria: Invitae Variant Classification Sherloc (09022015). Collection method: clinical testing. Allele origin: germline.

Color Diagnostics, LLC DBA Color Health
Classification: Likely benign for Malignant hyperthermia, susceptibility to, 1. Last evaluated: 2022-11-06. Review status: criteria provided, single submitter. Criteria: ACMG Guidelines, 2015. Collection method: clinical testing. Allele origin: germline.

NM_000540.3(RYR1):c.4065C>T (p.Gly1355=)

Gene: RYR1 (ryanodine receptor 1; plus strand). Cytogenetic location: 19q13.2.
Variant type: single nucleotide variant.
Coding change: c.4065C>T on transcript NM_000540.3 (MANE Select); coding-DNA position 4065, C replaced by T.
Protein change: p.Gly1355=; no amino-acid change (glycine 1355 retained).
Molecular consequence: synonymous variant.
Genome position (GRCh38, 1-based): chr19:38,473,676, C>T. VCF-style: chr19-38473676-C-T. GRCh37 (hg19) VCF-style: chr19-38964316-C-T.
Other names: c.4065C>T, p.Gly1355= (NM_001042723.2).
Identifiers: ClinVar variation 2184183 (VCV002184183.32), dbSNP rs1293719355, ClinGen allele CA507353226.